The following is an entry in ClinVar:

ClinVar aggregate classification (germline): Likely pathogenic. Review status: criteria provided, multiple submitters, no conflicts (2 of 4 stars). 2 submissions from 2 submitters: Likely pathogenic (2). Last evaluated 2025-03-12.

Allele frequency attached by ClinVar (database versions not stated): TOPMed 0.00001.
gnomAD v4.1: 1 of 1,613,808 alleles (0.000062%); no homozygotes.

Submissions (2):

GeneDx
Classification: Likely pathogenic. Last evaluated: 2025-03-12. Review status: criteria provided, single submitter. Criteria: GeneDx Variant Classification Process June 2021. Collection method: clinical testing. Allele origin: germline. Affected: yes.
Comment: Nonsense variant predicted to result in protein truncation, as the last 42 amino acids are lost, and other loss-of-function variants have been reported downstream in HGMD; Not observed at significant frequency in large population cohorts (gnomAD); This variant is associated with the following publications: (PMID: 35150601, 30755392)

Center for Personalized Medicine, Children's Hospital Los Angeles
Classification: Likely pathogenic. Last evaluated: 2022-12-21. Review status: criteria provided, single submitter. Criteria: ACMG Guidelines, 2015. Collection method: clinical testing. Allele origin: biparental. Affected: yes.

NM_003126.4(SPTA1):c.7132C>T (p.Gln2378Ter)

Gene: SPTA1 (spectrin alpha, erythrocytic 1; minus strand). Cytogenetic location: 1q23.1.
Variant type: single nucleotide variant.
Coding change: c.7132C>T on transcript NM_003126.4 (MANE Select); coding-DNA position 7132, C replaced by T.
Protein change: p.Gln2378Ter; replaces glutamine 2378 with a stop codon.
Molecular consequence: nonsense.
Genome position (GRCh38, 1-based): chr1:158,612,819, G>A on the plus strand (C>T on the coding strand, the complement: SPTA1 is on the minus strand). VCF-style: chr1-158612819-G-A. GRCh37 (hg19) VCF-style: chr1-158582609-G-A.
Other names: short protein forms Q2378*.
Identifiers: ClinVar variation 421401 (VCV000421401.4), dbSNP rs1064795113, ClinGen allele CA16617007.